The following is an entry in ClinVar:

ClinVar aggregate classification (germline): Uncertain significance. Review status: criteria provided, multiple submitters, no conflicts (2 of 4 stars). 2 submissions from 2 submitters: Uncertain significance (2). Last evaluated 2025-01-09.

Conditions:
Inborn genetic diseases. Identifiers: MedGen C0950123, MeSH D030342.

Allele frequency attached by ClinVar (database versions not stated): gnomAD 0.00001; gnomAD exomes 0.00001 and 0.00002; TOPMed 0.00001.
gnomAD v4.1: 9 of 1,588,092 alleles (0.00057%); highest among the groups gnomAD compares: Admixed American, 0.0054%; no homozygotes.

Submissions (2):

Ambry Genetics
Classification: Uncertain significance for Inborn genetic diseases. Last evaluated: 2025-01-09. Review status: criteria provided, single submitter. Criteria: Ambry Variant Classification Scheme 2023. Collection method: clinical testing. Allele origin: germline.

Laboratorio de Genetica e Diagnostico Molecular, Hospital Israelita Albert Einstein
Classification: Uncertain significance. Last evaluated: 2019-09-17. Review status: criteria provided, single submitter. Criteria: ACMG Guidelines, 2015. Collection method: clinical testing. Allele origin: germline. Affected: yes.
Comment: ACMG classification criteria: PM2

NM_198576.4(AGRN):c.4585C>T (p.Arg1529Cys)

Gene: AGRN (agrin; plus strand). Cytogenetic location: 1p36.33.
Variant type: single nucleotide variant.
Coding change: c.4585C>T on transcript NM_198576.4 (MANE Select); coding-DNA position 4585, C replaced by T.
Protein change: p.Arg1529Cys; replaces arginine 1529 with cysteine.
Molecular consequence: missense variant.
Genome position (GRCh38, 1-based): chr1:1,049,636, C>T. VCF-style: chr1-1049636-C-T. GRCh37 (hg19) VCF-style: chr1-985016-C-T.
Other names: c.4585C>T, p.Arg1529Cys (NM_001305275.2); c.4270C>T, p.Arg1424Cys (NM_001364727.2); c.4585C>T (NM_198576.3); short protein forms R1424C, R1529C.
Identifiers: ClinVar variation 1690680 (VCV001690680.3), dbSNP rs1310239552, ClinGen allele CA337778626.
Genomic context (GRCh38, chr1:1,049,636, plus strand): 5'-CGGACCTTCGTGGGCGCCGGCCTGAGGGGGTGCATCCGTTTGCTGGACGTCAACAACCAG[C>T]GCCTGGAGCTTGGCATTGGGCCGGGGGCTGCCACCCGAGGCTCTGGCGTGGGCGAGTGCG-3'
Protein context (NP_940978.2, residues 1519-1539): CIRLLDVNNQ[Arg1529Cys]LELGIGPGAA